The following is an entry in ClinVar:

ClinVar aggregate classification (germline): Likely pathogenic (1 of 4 stars; one submission).

Allele frequency attached by ClinVar (database versions not stated): gnomAD exomes below 0.00001 and 0.00001; TOPMed 0.00001.
gnomAD v4.1: 4 of 1,208,588 alleles (0.00033%); highest among the groups gnomAD compares: Non-Finnish European, 0.00034%; no homozygotes.

Submission:

GeneDx
Classification: Likely pathogenic. Last evaluated: 2019-05-13. Review status: criteria provided, single submitter. Criteria: GeneDx Variant Classification Process June 2021. Collection method: clinical testing. Allele origin: germline. Affected: yes.
Comment: Nonsense variant predicted to result in protein truncation or nonsense mediated decay in a gene for which loss-of-function is a known mechanism of disease

NM_001555.5(IGSF1):c.1324C>T (p.Arg442Ter)

Gene: IGSF1 (immunoglobulin superfamily member 1; minus strand). Cytogenetic location: Xq26.1.
Variant type: single nucleotide variant.
Coding change: c.1324C>T on transcript NM_001555.5 (MANE Select); coding-DNA position 1324, C replaced by T.
Protein change: p.Arg442Ter; replaces arginine 442 with a stop codon.
Molecular consequence: nonsense.
Genome position (GRCh38, 1-based): chrX:131,281,867, G>A on the plus strand (C>T on the coding strand, the complement: IGSF1 is on the minus strand). VCF-style: chrX-131281867-G-A. GRCh37 (hg19) VCF-style: chrX-130415841-G-A.
Other names: c.1324C>T, p.Arg442Ter (NM_001170961.2); c.1297C>T, p.Arg433Ter (NM_001170962.2); short protein forms R442*, R433*.
Identifiers: ClinVar variation 489337 (VCV000489337.3), dbSNP rs1293658262, ClinGen allele CA414574233.